The following is an entry in ClinVar:

NM_001122752.2(SERPINI1):c.760A>C (p.Met254Leu)

Gene: SERPINI1 (serpin family I member 1; plus strand). Cytogenetic location: 3q26.1.
Variant type: single nucleotide variant.
Coding change: c.760A>C on transcript NM_001122752.2 (MANE Select); coding-DNA position 760, A replaced by C.
Protein change: p.Met254Leu; replaces methionine 254 with leucine.
Molecular consequence: missense variant.
Genome position (GRCh38, 1-based): chr3:167,794,703, A>C. VCF-style: chr3-167794703-A-C. GRCh37 (hg19) VCF-style: chr3-167512491-A-C.
Other names: c.760A>C, p.Met254Leu (NM_005025.5); short protein forms M254L.
Identifiers: ClinVar variation 466620 (VCV000466620.8), dbSNP rs1553774956, ClinGen allele CA355157079.
Genomic context (GRCh38, chr3:167,794,703, plus strand): 5'-GAAGCTGGTGGTATCTACCAAGTCCTAGAAATACCATATGAAGGAGATGAAATAAGCATG[A>C]TGCTGGTGCTGTCCAGACAGGAAGTTCCTCTTGCTACTCTGGAGCCATTAGTCAAAGCAC-3'
Protein context (NP_001116224.1, residues 244-264): IPYEGDEISM[Met254Leu]LVLSRQEVPL

ClinVar aggregate classification (germline): Uncertain significance (1 of 4 stars; one submission).

Conditions:
Familial encephalopathy with neuroserpin inclusion bodies. Also called: ENCEPHALOPATHY, FAMILIAL, WITH COLLINS BODIES. Identifiers: Orphanet 85110, MedGen C1858680, MONDO:0011412, OMIM 604218.

Submission:

Labcorp Genetics (formerly Invitae), Labcorp
Classification: Uncertain significance for Familial encephalopathy with neuroserpin inclusion bodies. Last evaluated: 2025-12-30. Review status: criteria provided, single submitter. Criteria: Invitae Variant Classification Sherloc (09022015). Collection method: clinical testing. Allele origin: germline.
Comment: This sequence change replaces methionine, which is neutral and non-polar, with leucine, which is neutral and non-polar, at codon 254 of the SERPINI1 protein (p.Met254Leu). This variant is not present in population databases (gnomAD no frequency). This variant has not been reported in the literature in individuals affected with SERPINI1-related conditions. ClinVar contains an entry for this variant (Variation ID: 466620). Invitae Evidence Modeling of protein sequence and biophysical properties (such as structural, functional, and spatial information, amino acid conservation, physicochemical variation, residue mobility, and thermodynamic stability) indicates that this missense variant is not expected to disrupt SERPINI1 protein function with a negative predictive value of 80%. In summary, the available evidence is currently insufficient to determine the role of this variant in disease. Therefore, it has been classified as a Variant of Uncertain Significance.